The following is an entry in ClinVar:

NM_014225.6(PPP2R1A):c.115G>A (p.Ala39Thr)

Gene: PPP2R1A (protein phosphatase 2 scaffold subunit Aalpha; plus strand). Cytogenetic location: 19q13.41.
Variant type: single nucleotide variant.
Coding change: c.115G>A on transcript NM_014225.6 (MANE Select); coding-DNA position 115, G replaced by A.
Protein change: p.Ala39Thr; replaces alanine 39 with threonine.
Molecular consequence: missense variant. On other transcripts: 5 prime UTR variant (1), non-coding transcript variant (1).
Genome position (GRCh38, 1-based): chr19:52,201,980, G>A. VCF-style: chr19-52201980-G-A. GRCh37 (hg19) VCF-style: chr19-52705233-G-A.
Other names: c.-423G>A (NM_001363656.2); short protein forms A39T.
Identifiers: ClinVar variation 2574441 (VCV002574441.1), dbSNP rs949208712, ClinGen allele CA309859938.
Genomic context (GRCh38, chr19:52,201,980, plus strand): 5'-CTCCTCTTCTTGTTCTCTCATTAGCTTCGCCTCAACAGCATCAAGAAGCTGTCCACCATC[G>A]CCTTGGCCCTTGGGGTTGAAAGGACCCGAAGTGAGCTTCTGCCTTTCCTTACAGGTAACA-3'
Protein context (NP_055040.2, residues 29-49): LNSIKKLSTI[Ala39Thr]LALGVERTRS

ClinVar aggregate classification (germline): Uncertain significance (1 of 4 stars; one submission).

Allele frequency attached by ClinVar (database versions not stated): TOPMed 0.00001.

Submission:

GeneDx
Classification: Uncertain significance. Last evaluated: 2023-07-25. Review status: criteria provided, single submitter. Criteria: GeneDx Variant Classification Process June 2021. Collection method: clinical testing. Allele origin: germline. Affected: yes.
Comment: Not observed at significant frequency in large population cohorts (gnomAD); In silico analysis supports that this missense variant has a deleterious effect on protein structure/function; Has not been previously published as pathogenic or benign to our knowledge